The following is an entry in ClinVar:

ClinVar aggregate classification (germline): Uncertain significance (0 of 4 stars; one submission).

Conditions:
NCOA1-related disorder. Also called: NCOA1-related condition.

Allele frequency attached by ClinVar (database versions not stated): ExAC 0.00001; TOPMed 0.00001; gnomAD exomes 0.00002; gnomAD 0.00003.
gnomAD v4.1: 26 of 1,614,030 alleles (0.0016%); highest among the groups gnomAD compares: Non-Finnish European, 0.0019%; 1 homozygote.

Submission:

PreventionGenetics, part of Exact Sciences
Classification: Uncertain significance for NCOA1-related condition. Last evaluated: 2024-09-13. Review status: no assertion criteria provided. Collection method: clinical testing. Allele origin: germline.
Comment: The NCOA1 c.3830A>G variant is predicted to result in the amino acid substitution p.Tyr1277Cys. This variant has been reported in an individual with severe obesity (Cacciottolo et al. 2022. PubMed ID: 35137184). This variant is reported in 0.0035% of alleles in individuals of European (Non-Finnish) descent in gnomAD, including a homozygous individual. At this time, the clinical significance of this variant is uncertain due to the absence of conclusive functional and genetic evidence.

NM_003743.5(NCOA1):c.3830A>G (p.Tyr1277Cys)

Gene: NCOA1 (nuclear receptor coactivator 1; plus strand). Cytogenetic location: 2p23.3.
Variant type: single nucleotide variant.
Coding change: c.3830A>G on transcript NM_003743.5 (MANE Select); coding-DNA position 3830, A replaced by G.
Protein change: p.Tyr1277Cys; replaces tyrosine 1277 with cysteine.
Molecular consequence: missense variant.
Genome position (GRCh38, 1-based): chr2:24,752,105, A>G. VCF-style: chr2-24752105-A-G. GRCh37 (hg19) VCF-style: chr2-24974974-A-G.
Other names: c.3830A>G, p.Tyr1277Cys (NM_001362950.1, NM_001362952.1, NM_001362954.1 and 3 more transcripts); short protein forms Y1277C.
Identifiers: ClinVar variation 3032862 (VCV003032862.2), dbSNP rs751254362, ClinGen allele CA1552724.